The following is an entry in ClinVar:

NM_206933.4(USH2A):c.8391del (p.Gly2799fs)

Gene: USH2A (usherin; minus strand). Cytogenetic location: 1q41.
Variant type: Deletion.
Coding change: c.8391del on transcript NM_206933.4 (MANE Select); coding-DNA position 8391, one base deleted (A; older notation c.8391delA).
Protein change: p.Gly2799fs; shifts the reading frame from glycine 2799.
Molecular consequence: frameshift variant.
Genome position (GRCh38, 1-based): chr1:215,878,931, T deleted on the plus strand (A on the coding strand, the reverse complement: USH2A is on the minus strand). VCF-style (leftmost placement, unchanged base first): chr1-215878930-CT-C. GRCh37 (hg19) VCF-style: chr1-216052272-CT-C.
Other names: c.8391delA (NM_206933.4); short protein forms G2799fs.
Identifiers: ClinVar variation 557769 (VCV000557769.6), dbSNP rs1553272176, ClinGen allele CA529002428.

ClinVar aggregate classification (germline): Pathogenic/Likely pathogenic. Review status: criteria provided, multiple submitters, no conflicts (2 of 4 stars). 5 submissions from 5 submitters: Pathogenic (2); Likely pathogenic (2). 1 of the submissions does not count toward it. Last evaluated 2025-02-13.

Conditions:
Usher syndrome. Also called: Usher Syndromes; Usher's syndrome. Identifiers: Orphanet 886, MedGen CN469326, MeSH D052245, MONDO:0019501. Disease mechanism: loss of function.
Retinal dystrophy. Also called: Inherited retinal dystrophy. Identifiers: Orphanet 71862, MedGen C0854723, MeSH D058499, MONDO:0019118, HP:0000556.
USH2A-related disorder. Also called: USH2A-related disorders; USH2A-related condition. Identifiers: MedGen CN239332.
Retinitis pigmentosa 39 (RP39). Identifiers: Orphanet 791, MedGen C3151138, MONDO:0013436, OMIM 613809.
Usher syndrome type 2A. Also called: RETINAL DISEASE IN USHER SYNDROME TYPE IIA, MODIFIER OF; USHER SYNDROME, TYPE IIA. Identifiers: Orphanet 231178, Orphanet 886, MedGen C1848634, MONDO:0010169, OMIM 276901.

Allele frequency attached by ClinVar (database versions not stated): gnomAD exomes below 0.00001.

Submissions (5):

Women's Health and Genetics/Laboratory Corporation of America, LabCorp
Classification: Pathogenic for Usher syndrome. Last evaluated: 2025-02-13. Review status: criteria provided, single submitter. Criteria: LabCorp Variant Classification Summary - May 2015. Collection method: clinical testing. Allele origin: germline.
Comment: Variant summary: USH2A c.8391delA (p.Gly2799ValfsX31) results in a premature termination codon, predicted to cause a truncation of the encoded protein or absence of the protein due to nonsense mediated decay, which are commonly known mechanisms for disease. The variant allele was found at a frequency of 4e-06 in 251322 control chromosomes (gnomAD). To our knowledge, no occurrence of c.8391delA in individuals affected with Usher Syndrome and no experimental evidence demonstrating its impact on protein function have been reported. ClinVar contains an entry for this variant (Variation ID: 557769). Based on the evidence outlined above, the variant was classified as pathogenic.

Baylor Genetics
Classification: Likely pathogenic for Retinitis pigmentosa 39. Last evaluated: 2023-02-27. Review status: criteria provided, single submitter. Criteria: ACMG Guidelines, 2015. Collection method: clinical testing. Allele origin: unknown.

Blueprint Genetics
Classification: Likely pathogenic for USH2A-related disorders. Last evaluated: 2020-08-13. Review status: criteria provided, single submitter. Criteria: ACMG Guidelines, 2015. Collection method: clinical testing. Allele origin: germline. Affected: yes. Observed: 1 variant allele.

Institute of Human Genetics, Univ. Regensburg, Univ. Regensburg
Classification: Pathogenic for Retinal dystrophy. Last evaluated: 2019-01-01. Review status: criteria provided, single submitter. Criteria: ACMG Guidelines, 2015. Collection method: clinical testing. Allele origin: germline. Affected: yes.

Counsyl
Classification: Likely pathogenic for Usher syndrome type 2A; Retinitis pigmentosa 39. Last evaluated: 2018-04-06. Review status: no assertion criteria provided. Collection method: clinical testing. Allele origin: unknown. Not counted in ClinVar's aggregate classification.

Literature cited by the submitters: PubMed 31964843 (cited by Institute of Human Genetics, Univ. Regensburg, Univ. Regensburg).